The following is an entry in ClinVar:

ClinVar aggregate classification (germline): Pathogenic (1 of 4 stars; one submission).

Submission:

Labcorp Genetics (formerly Invitae), Labcorp
Classification: Pathogenic. Last evaluated: 2023-01-06. Review status: criteria provided, single submitter. Criteria: Invitae Variant Classification Sherloc (09022015). Collection method: clinical testing. Allele origin: germline.
Comment: This sequence change creates a premature translational stop signal (p.Lys237Argfs*9) in the EIF2B2 gene. It is expected to result in an absent or disrupted protein product. Loss-of-function variants in EIF2B2 are known to be pathogenic (PMID: 11704758, 12707859). For these reasons, this variant has been classified as Pathogenic. This variant has not been reported in the literature in individuals affected with EIF2B2-related conditions. This variant is not present in population databases (gnomAD no frequency).

Literature cited by the submitters: PubMed 11704758; PubMed 12707859.

NM_014239.4(EIF2B2):c.710del (p.Lys237fs)

Gene: EIF2B2 (eukaryotic translation initiation factor 2B subunit beta; plus strand). Cytogenetic location: 14q24.3.
Variant type: Deletion.
Coding change: c.710del on transcript NM_014239.4 (MANE Select); coding-DNA position 710, one base deleted (A; older notation c.710delA).
Protein change: p.Lys237fs; shifts the reading frame from lysine 237.
Molecular consequence: frameshift variant.
Genome position (GRCh38, 1-based): chr14:75,006,593, A deleted; the last of 2 consecutive A bases (chr14:75,006,592-75,006,593); deleting either gives the same sequence. VCF-style (leftmost placement, unchanged base first): chr14-75006591-GA-G. GRCh37 (hg19) VCF-style: chr14-75473294-GA-G.
Other names: short protein forms K237fs.
Identifiers: ClinVar variation 2826660 (VCV002826660.3), dbSNP rs2503007932, ClinGen allele CA2739278266.